The following is an entry in ClinVar:

NM_213599.3(ANO5):c.1925G>T (p.Arg642Leu)

Gene: ANO5 (anoctamin 5; plus strand). Cytogenetic location: 11p14.3.
Variant type: single nucleotide variant.
Coding change: c.1925G>T on transcript NM_213599.3 (MANE Select); coding-DNA position 1925, G replaced by T.
Protein change: p.Arg642Leu; replaces arginine 642 with leucine.
Molecular consequence: missense variant.
Genome position (GRCh38, 1-based): chr11:22,270,338, G>T. VCF-style: chr11-22270338-G-T. GRCh37 (hg19) VCF-style: chr11-22291884-G-T.
Other names: c.1922G>T, p.Arg641Leu (NM_001142649.2); short protein forms R641L, R642L.
Identifiers: ClinVar variation 1218356 (VCV001218356.3), dbSNP rs199532484, ClinGen allele CA379923281.

ClinVar aggregate classification (germline): Uncertain significance (1 of 4 stars; one submission).

gnomAD v4.1: 2 of 1,613,942 alleles (0.00012%); highest among the groups gnomAD compares: African/African-American, 0.0027%; no homozygotes.

Submission:

GeneDx
Classification: Uncertain significance. Last evaluated: 2020-10-16. Review status: criteria provided, single submitter. Criteria: GeneDx Variant Classification Process June 2021. Collection method: clinical testing. Allele origin: germline. Affected: yes.
Comment: Reported previously in the heterozygous state in an individual with limb-girdle muscular dystrophy type 2L who did not have another identifiable variant (Sarkozy et al., 2013); Not observed at a significant frequency in large population cohorts (Lek et al., 2016); In silico analysis, which includes protein predictors and evolutionary conservation, supports a deleterious effect; This variant is associated with the following publications: (PMID: 23606453)